The following is an entry in ClinVar:

NM_000170.3(GLDC):c.646A>G (p.Arg216Gly)

Gene: GLDC (glycine decarboxylase; minus strand). Cytogenetic location: 9p24.1.
Variant type: single nucleotide variant.
Coding change: c.646A>G on transcript NM_000170.3 (MANE Select); coding-DNA position 646, A replaced by G.
Protein change: p.Arg216Gly; replaces arginine 216 with glycine.
Molecular consequence: missense variant.
Genome position (GRCh38, 1-based): chr9:6,606,659, T>C on the plus strand (A>G on the coding strand, the complement: GLDC is on the minus strand). VCF-style: chr9-6606659-T-C. GRCh37 (hg19) VCF-style: chr9-6606659-T-C.
Other names: short protein forms R216G.
Identifiers: ClinVar variation 462891 (VCV000462891.49), dbSNP rs140411475, ClinGen allele CA4981051.
Genomic context (GRCh38, chr9:6,606,659, plus strand): 5'-GAGTCTGGACAACAGCTATTGTCTGTGGGTGGCAACGGGGATCAACGAGAAATTTCCTCC[T>C]CTTGTTGTGTCTGTTGAAAAGAAAAAGCACATTCCAACGTGAACATTAAATAAATAGGAC-3'
Protein context (NP_000161.2, residues 206-226): ALQLCYRHNK[Arg216Gly]RKFLVDPRCH

ClinVar aggregate classification (germline): Uncertain significance. Review status: criteria provided, multiple submitters, no conflicts (2 of 4 stars). 4 submissions from 4 submitters: Uncertain significance (3). 1 of the submissions does not count toward it. Last evaluated 2025-09-02.

Conditions:
Glycine encephalopathy. Also called: Nonketotic hyperglycinemia; Non-ketotic hyperglycinemia. Identifiers: Orphanet 407, MedGen C0751748, MONDO:0011612, HP:0008288.

Allele frequency attached by ClinVar (database versions not stated): gnomAD 0.00001; TOPMed 0.00002; gnomAD exomes 0.00005; ExAC 0.00007; 1000 Genomes Project 30x 0.00016; 1000 Genomes Project 0.00020.
gnomAD v4.1: 25 of 1,596,420 alleles (0.0016%); highest among the groups gnomAD compares: Middle Eastern, 0.017%; no homozygotes.

Submissions (4):

Labcorp Genetics (formerly Invitae), Labcorp
Classification: Uncertain significance for Glycine encephalopathy. Last evaluated: 2025-09-02. Review status: criteria provided, single submitter. Criteria: Invitae Variant Classification Sherloc (09022015). Collection method: clinical testing. Allele origin: germline.
Comment: This sequence change replaces arginine, which is basic and polar, with glycine, which is neutral and non-polar, at codon 216 of the GLDC protein (p.Arg216Gly). This variant is present in population databases (rs140411475, gnomAD 0.01%). This variant has not been reported in the literature in individuals affected with GLDC-related conditions. ClinVar contains an entry for this variant (Variation ID: 462891). Invitae Evidence Modeling of protein sequence and biophysical properties (such as structural, functional, and spatial information, amino acid conservation, physicochemical variation, residue mobility, and thermodynamic stability) indicates that this missense variant is expected to disrupt GLDC protein function with a positive predictive value of 95%. In summary, the available evidence is currently insufficient to determine the role of this variant in disease. Therefore, it has been classified as a Variant of Uncertain Significance.

GeneDx
Classification: Uncertain significance. Last evaluated: 2023-07-17. Review status: criteria provided, single submitter. Criteria: GeneDx Variant Classification Process June 2021. Collection method: clinical testing. Allele origin: germline. Affected: yes.
Comment: Not observed at significant frequency in large population cohorts (gnomAD); In silico analysis supports that this missense variant has a deleterious effect on protein structure/function; Has not been previously published as pathogenic or benign to our knowledge; This variant is associated with the following publications: (PMID: 29263839)

CeGaT Center for Human Genetics Tuebingen
Classification: Uncertain significance. Last evaluated: 2018-04-01. Review status: criteria provided, single submitter. Criteria: CeGaT Center For Human Genetics Tuebingen Variant Classification Criteria Version 2. Collection method: clinical testing. Allele origin: germline. Affected: yes. Observed: 1 variant allele.

Natera, Inc.
Classification: Uncertain significance for Non-ketotic hyperglycinemia. Last evaluated: 2020-09-16. Review status: no assertion criteria provided. Collection method: clinical testing. Allele origin: germline. Not counted in ClinVar's aggregate classification.